The following is an entry in ClinVar:

ClinVar aggregate classification (germline): Uncertain significance (1 of 4 stars; one submission).

Conditions:
Pityriasis rubra pilaris (PRP). Also called: Pityriasis rubra pilaris--familial type. Identifiers: Orphanet 2897, MedGen C0032027, MONDO:0100017, OMIM 173200, MONDO:0008251.
Psoriasis 2. Identifiers: MedGen C1864497, MONDO:0011269, OMIM 602723.

Submission:

Labcorp Genetics (formerly Invitae), Labcorp
Classification: Uncertain significance for Pityriasis rubra pilaris; Psoriasis 2. Last evaluated: 2022-12-24. Review status: criteria provided, single submitter. Criteria: Invitae Variant Classification Sherloc (09022015). Collection method: clinical testing. Allele origin: germline.
Comment: ClinVar contains an entry for this variant (Variation ID: 1719390). In summary, the available evidence is currently insufficient to determine the role of this variant in disease. Therefore, it has been classified as a Variant of Uncertain Significance. Advanced modeling of protein sequence and biophysical properties (such as structural, functional, and spatial information, amino acid conservation, physicochemical variation, residue mobility, and thermodynamic stability) performed at Invitae indicates that this missense variant is expected to disrupt CARD14 protein function. This variant has not been reported in the literature in individuals affected with CARD14-related conditions. This variant is not present in population databases (gnomAD no frequency). This sequence change replaces threonine, which is neutral and polar, with asparagine, which is neutral and polar, at codon 570 of the CARD14 protein (p.Thr570Asn).

NM_001366385.1(CARD14):c.1709C>A (p.Thr570Asn)

Gene: CARD14 (caspase recruitment domain family member 14; plus strand). Cytogenetic location: 17q25.3.
Variant type: single nucleotide variant.
Coding change: c.1709C>A on transcript NM_001366385.1 (MANE Select); coding-DNA position 1709, C replaced by A.
Protein change: p.Thr570Asn; replaces threonine 570 with asparagine.
Molecular consequence: missense variant. On other transcripts: non-coding transcript variant (1).
Genome position (GRCh38, 1-based): chr17:80,198,449, C>A. VCF-style: chr17-80198449-C-A. GRCh37 (hg19) VCF-style: chr17-78172248-C-A.
Other names: c.1709C>A, p.Thr570Asn (NM_001257970.1, NM_024110.4); c.998C>A, p.Thr333Asn (NM_052819.3); short protein forms T333N, T570N.
Identifiers: ClinVar variation 1719390 (VCV001719390.6), dbSNP rs2510681500, ClinGen allele CA401351008.